The following is an entry in ClinVar:

NM_001353214.3(DYM):c.1094_1097del (p.Tyr365fs)

Gene: DYM (dymeclin; minus strand). Cytogenetic location: 18q21.1.
Variant type: Microsatellite.
Coding change: c.1094_1097del on transcript NM_001353214.3 (MANE Select); coding-DNA positions 1094 to 1097, 4 bases deleted (ACAT; older notation c.1094_1097delACAT).
Protein change: p.Tyr365fs; shifts the reading frame from tyrosine 365.
Molecular consequence: frameshift variant.
Genome position (GRCh38, 1-based): chr18:49,282,025-49,282,028, ATGT deleted on the plus strand (ACAT on the coding strand, the reverse complement: DYM is on the minus strand); deleting any 4 consecutive bases within chr18:49,282,025-49,282,032 gives the same sequence; the c. name uses the placement nearest the transcript's 3' end. VCF-style (leftmost placement, unchanged base first): chr18-49282024-CATGT-C. GRCh37 (hg19) VCF-style: chr18-46808394-CATGT-C.
Other names: c.1091_1094del, p.Tyr364fs (NM_001353210.3, NM_001353211.3, NM_001353212.3 and 3 more transcripts); c.1094_1097del, p.Tyr365fs (NM_001353215.3, NM_001353216.3, NM_001374428.1 and 5 more transcripts); c.1088_1091del, p.Tyr363fs (NM_001374429.1, NM_001374439.1); c.968_971del, p.Tyr323fs (NM_001374432.1, NM_001374436.1); c.911_914del, p.Tyr304fs (NM_001374437.1); c.866_869del, p.Tyr289fs (NM_001374440.1); c.524_527del, p.Tyr175fs (NM_001374441.1, NM_001374442.1, NM_001374444.1); c.521_524del, p.Tyr174fs (NM_001374443.1); short protein forms Y174fs, Y175fs, Y289fs, Y304fs, Y323fs, Y363fs, Y364fs, Y365fs.
Identifiers: ClinVar variation 1179827 (VCV001179827.2), dbSNP rs2145744381, ClinGen allele CA2576501665.

ClinVar aggregate classification (germline): Likely pathogenic (1 of 4 stars; one submission).

Submission:

GeneDx
Classification: Likely pathogenic. Last evaluated: 2020-02-24. Review status: criteria provided, single submitter. Criteria: GeneDx Variant Classification Process June 2021. Collection method: clinical testing. Allele origin: germline. Affected: yes.
Comment: Frameshift variant predicted to result in protein truncation or nonsense mediated decay in a gene for which loss-of-function is a known mechanism of disease; Not observed in large population cohorts (Lek et al., 2016); Has not been previously published as pathogenic or benign to our knowledge